The following is an entry in ClinVar:

ClinVar aggregate classification (germline): Uncertain significance (1 of 4 stars; one submission).

Conditions:
Ehlers-Danlos syndrome, kyphoscoliotic type 1 (EDSKSCL1). Also called: EHLERS-DANLOS SYNDROME, TYPE VIA; EHLERS-DANLOS SYNDROME, OCULAR-SCOLIOTIC TYPE; PLOD1-Related Kyphoscoliotic Ehlers-Danlos Syndrome; Ehlers-Danlos syndrome, hydroxylysine-deficient. Identifiers: Orphanet 1900, MedGen C0268342, MONDO:0016002, OMIM 225400. Disease mechanism: loss of function.

Allele frequency attached by ClinVar (database versions not stated): gnomAD exomes below 0.00001 and 0.00001; TOPMed 0.00001; gnomAD 0.00002.
gnomAD v4.1: 13 of 1,613,944 alleles (0.00081%); highest among the groups gnomAD compares: Admixed American, 0.0067%; no homozygotes.

Submission:

Labcorp Genetics (formerly Invitae), Labcorp
Classification: Uncertain significance for Ehlers-Danlos syndrome, kyphoscoliotic type 1. Last evaluated: 2021-01-08. Review status: criteria provided, single submitter. Criteria: Invitae Variant Classification Sherloc (09022015). Collection method: clinical testing. Allele origin: germline.
Comment: This sequence change replaces arginine with glutamine at codon 670 of the PLOD1 protein (p.Arg670Gln). The arginine residue is moderately conserved and there is a small physicochemical difference between arginine and glutamine. This variant is not present in population databases (ExAC no frequency). This variant has not been reported in the literature in individuals with PLOD1-related conditions. Algorithms developed to predict the effect of missense changes on protein structure and function (SIFT, PolyPhen-2, Align-GVGD) all suggest that this variant is likely to be tolerated, but these predictions have not been confirmed by published functional studies and their clinical significance is uncertain. In summary, the available evidence is currently insufficient to determine the role of this variant in disease. Therefore, it has been classified as a Variant of Uncertain Significance.

NM_000302.4(PLOD1):c.2009G>A (p.Arg670Gln)

Gene: PLOD1 (procollagen-lysine,2-oxoglutarate 5-dioxygenase 1; plus strand). Cytogenetic location: 1p36.22.
Variant type: single nucleotide variant.
Coding change: c.2009G>A on transcript NM_000302.4 (MANE Select); coding-DNA position 2009, G replaced by A.
Protein change: p.Arg670Gln; replaces arginine 670 with glutamine.
Molecular consequence: missense variant.
Genome position (GRCh38, 1-based): chr1:11,972,978, G>A. VCF-style: chr1-11972978-G-A. GRCh37 (hg19) VCF-style: chr1-12033035-G-A.
Other names: c.2150G>A, p.Arg717Gln (NM_001316320.2); short protein forms R717Q, R670Q.
Identifiers: ClinVar variation 1438289 (VCV001438289.8), dbSNP rs1282397747, ClinGen allele CA338452483.